The following is an entry in ClinVar:

ClinVar aggregate classification (germline): Uncertain significance. Review status: criteria provided, multiple submitters, no conflicts (2 of 4 stars). 5 submissions from 5 submitters: Uncertain significance (5). Last evaluated 2024-04-25.

Conditions:
Cardiomyopathy (CMYO). Also called: Cardiomyopathies. Identifiers: Orphanet 167848, MedGen C0878544, MONDO:0004994, HP:0001638. Inheritance: Various modes of inheritance.
Hypertrophic cardiomyopathy. Also called: HYPERTROPHIC MYOCARDIOPATHY. Identifiers: Orphanet 217569, MedGen C0007194, MeSH D002312, MONDO:0005045, HP:0001639.

Allele frequency attached by ClinVar (database versions not stated): gnomAD exomes below 0.00001.
gnomAD v4.1: 2 of 1,614,166 alleles (0.00012%); highest among the groups gnomAD compares: Non-Finnish European, 0.00017%; no homozygotes.

Submissions (5):

All of Us Research Program, National Institutes of Health
Classification: Uncertain significance for Cardiomyopathy. Last evaluated: 2024-04-25. Review status: criteria provided, single submitter. Criteria: ACMG Guidelines, 2015. Collection method: clinical testing. Allele origin: germline. Inheritance: Autosomal dominant inheritance. Observed: 3 variant alleles, 3 heterozygotes.
Comment: This missense variant replaces threonine with serine at codon 1513 of the MYH7 protein. Computational prediction is inconclusive regarding the impact of this variant on protein structure and function (internally defined REVEL score threshold 0.5 < inconclusive < 0.7, PMID: 27666373). To our knowledge, functional studies have not been reported for this variant. This variant has been reported in five individuals affected with hypertrophic cardiomyopathy (PMID: 15358028, 15519027, 20309391, 27532257); three of them were compound heterozygous with another pathogenic variant, p.Arg719Gln (ClinVar Variation ID 14107). This variant has not been identified in the general population by the Genome Aggregation Database (gnomAD). The available evidence is insufficient to determine the role of this variant in disease conclusively. Therefore, this variant is classified as a Variant of Uncertain Significance.

This study involves interpretation of variants in research participants for the purpose of population health screening. Participant phenotype was not available at the time of variant classification. Additional details can be found in publication PMID: 35346344, PMCID: PMC8962531

Color Diagnostics, LLC DBA Color Health
Classification: Uncertain significance for Cardiomyopathy. Last evaluated: 2023-05-11. Review status: criteria provided, single submitter. Criteria: ACMG Guidelines, 2015. Collection method: clinical testing. Allele origin: germline.
Comment: This missense variant replaces threonine with serine at codon 1513 of the MYH7 protein. Computational prediction is inconclusive regarding the impact of this variant on protein structure and function (internally defined REVEL score threshold 0.5 < inconclusive < 0.7, PMID: 27666373). To our knowledge, functional studies have not been reported for this variant. This variant has been reported in five individuals affected with hypertrophic cardiomyopathy (PMID: 15358028, 15519027, 20309391, 27532257); three of them were compound heterozygous with another pathogenic variant, p.Arg719Gln (ClinVar Variation ID 14107). This variant has not been identified in the general population by the Genome Aggregation Database (gnomAD). The available evidence is insufficient to determine the role of this variant in disease conclusively. Therefore, this variant is classified as a Variant of Uncertain Significance.

Labcorp Genetics (formerly Invitae), Labcorp
Classification: Uncertain significance for Hypertrophic cardiomyopathy. Last evaluated: 2022-10-22. Review status: criteria provided, single submitter. Criteria: Invitae Variant Classification Sherloc (09022015). Collection method: clinical testing. Allele origin: germline.
Comment: This sequence change replaces threonine, which is neutral and polar, with serine, which is neutral and polar, at codon 1513 of the MYH7 protein (p.Thr1513Ser). This variant is not present in population databases (gnomAD no frequency). This missense change has been observed in individual(s) with hypertrophic cardiomyopathy (PMID: 15358028, 20309391, 27532257). ClinVar contains an entry for this variant (Variation ID: 43025). Advanced modeling of protein sequence and biophysical properties (such as structural, functional, and spatial information, amino acid conservation, physicochemical variation, residue mobility, and thermodynamic stability) has been performed at Invitae for this missense variant, however the output from this modeling did not meet the statistical confidence thresholds required to predict the impact of this variant on MYH7 protein function. In summary, the available evidence is currently insufficient to determine the role of this variant in disease. Therefore, it has been classified as a Variant of Uncertain Significance.

GeneDx
Classification: Uncertain significance. Last evaluated: 2019-02-01. Review status: criteria provided, single submitter. Criteria: GeneDx Variant Classification Process June 2021. Collection method: clinical testing. Allele origin: germline. Affected: yes.
Comment: Identified in association with HCM; however, the patients reported also harbored the R719Q variant in the MYH7 gene (Van Driest et al., 2004; Harris et al., 2010). The phase of the MYH7 variants is not reported in Van Driest et al. (2004), but Harris et al. (2010) reports that the MYH7 variants are on the same allele (in cis); Reported in ClinVar but additional evidence is not available (ClinVar Variant ID# 43025; Landrum et al., 2016); Not observed in large population cohorts (Lek et al., 2016); In silico analysis, which includes protein predictors and evolutionary conservation, supports a deleterious effect; This variant is associated with the following publications: (PMID: 18761664, 15358028, 27532257, 20309391)

Laboratory for Molecular Medicine, Mass General Brigham Personalized Medicine
Classification: Uncertain significance. Last evaluated: 2015-12-18. Review status: criteria provided, single submitter. Criteria: LMM Criteria. Collection method: clinical testing. Allele origin: germline. Observed: 3 variant alleles.
Comment: proposed classification - variant undergoing re-assessment, contact laboratory

Literature cited by the submitters: PubMed 15358028 (cited by 4 submitters); PubMed 15519027 (cited by All of Us Research Program, National Institutes of Health and Color Diagnostics, LLC DBA Color Health); PubMed 20309391 (cited by 4 submitters); PubMed 27532257 (cited by 3 submitters).

NM_000257.4(MYH7):c.4537A>T (p.Thr1513Ser)

Genes: MHRT (myosin heavy chain associated RNA transcript; plus strand), MYH7 (myosin heavy chain 7; minus strand). Cytogenetic location: 14q11.2.
Variant type: single nucleotide variant.
Coding change: c.4537A>T on transcript NM_000257.4 (MANE Select); coding-DNA position 4537, A replaced by T.
Protein change: p.Thr1513Ser; replaces threonine 1513 with serine.
Molecular consequence: missense variant. On other transcripts: non-coding transcript variant (1).
Genome position (GRCh38, 1-based): chr14:23,416,975, T>A on the plus strand (A>T on the coding strand, the complement: MYH7 is on the minus strand). VCF-style: chr14-23416975-T-A. GRCh37 (hg19) VCF-style: chr14-23886184-T-A.
Other names: short protein forms T1513S.
Identifiers: ClinVar variation 43025 (VCV000043025.20), dbSNP rs397516222, ClinGen allele CA015096.